The following is an entry in ClinVar:

ClinVar aggregate classification (germline): Uncertain significance (1 of 4 stars; one submission).

gnomAD v4.1: 11 of 1,613,554 alleles (0.00068%); highest among the groups gnomAD compares: Non-Finnish European, 0.00093%; no homozygotes.

Submission:

GeneDx
Classification: Uncertain significance. Last evaluated: 2025-08-31. Review status: criteria provided, single submitter. Criteria: GeneDx Variant Classification Process June 2021. Collection method: clinical testing. Allele origin: germline. Affected: yes.
Comment: In silico analysis suggests that this missense variant does not alter protein structure/function; Has not been previously published as pathogenic or benign to our knowledge

NM_000493.4(COL10A1):c.2035C>A (p.Pro679Thr)

Genes: COL10A1 (collagen type X alpha 1 chain; minus strand), NT5DC1 (5'-nucleotidase domain containing 1; plus strand). Cytogenetic location: 6q22.1.
Variant type: single nucleotide variant.
Coding change: c.2035C>A on transcript NM_000493.4 (MANE Select); coding-DNA position 2035, C replaced by A.
Protein change: p.Pro679Thr; replaces proline 679 with threonine.
Molecular consequence: missense variant. On other transcripts: intron variant (1).
Genome position (GRCh38, 1-based): chr6:116,120,081, G>T on the plus strand (C>A on the coding strand, the complement: COL10A1 is on the minus strand). VCF-style: chr6-116120081-G-T. GRCh37 (hg19) VCF-style: chr6-116441244-G-T.
Other names: c.2035C>A, p.Pro679Thr (NM_001424106.1, NM_001424107.1); c.529+2136G>T (NM_152729.3); short protein forms P679T.
Identifiers: ClinVar variation 4812933 (VCV004812933.1).